The following is an entry in ClinVar:

NM_018127.7(ELAC2):c.526G>A (p.Glu176Lys)

Gene: ELAC2 (elaC ribonuclease Z 2; minus strand). Cytogenetic location: 17p12.
Variant type: single nucleotide variant.
Coding change: c.526G>A on transcript NM_018127.7 (MANE Select); coding-DNA position 526, G replaced by A.
Protein change: p.Glu176Lys; replaces glutamic acid 176 with lysine.
Molecular consequence: missense variant.
Genome position (GRCh38, 1-based): chr17:13,013,240, C>T on the plus strand (G>A on the coding strand, the complement: ELAC2 is on the minus strand). VCF-style: chr17-13013240-C-T. GRCh37 (hg19) VCF-style: chr17-12916557-C-T.
Other names: c.526G>A, p.Glu176Lys (NM_001165962.2, NM_173717.2); short protein forms E176K.
Identifiers: ClinVar variation 1949913 (VCV001949913.5), dbSNP rs2508366030, ClinGen allele CA398217715.

ClinVar aggregate classification (germline): Uncertain significance (1 of 4 stars; one submission).

Conditions:
Combined oxidative phosphorylation defect type 17. Also called: Combined oxidative phosphorylation deficiency 17. Identifiers: Orphanet 369913, MedGen C3809526, MONDO:0014190, OMIM 615440.

Allele frequency attached by ClinVar (database versions not stated): gnomAD exomes below 0.00001.
gnomAD v4.1: 2 of 1,614,154 alleles (0.00012%); highest among the groups gnomAD compares: Non-Finnish European, 0.00017%; no homozygotes.

Submission:

Labcorp Genetics (formerly Invitae), Labcorp
Classification: Uncertain significance for Combined oxidative phosphorylation defect type 17. Last evaluated: 2022-05-22. Review status: criteria provided, single submitter. Criteria: Invitae Variant Classification Sherloc (09022015). Collection method: clinical testing. Allele origin: germline.
Comment: In summary, the available evidence is currently insufficient to determine the role of this variant in disease. Therefore, it has been classified as a Variant of Uncertain Significance. Algorithms developed to predict the effect of missense changes on protein structure and function are either unavailable or do not agree on the potential impact of this missense change (SIFT: "Tolerated"; PolyPhen-2: "Possibly Damaging"; Align-GVGD: "Class C0"). This variant has not been reported in the literature in individuals affected with ELAC2-related conditions. This variant is not present in population databases (gnomAD no frequency). This sequence change replaces glutamic acid, which is acidic and polar, with lysine, which is basic and polar, at codon 176 of the ELAC2 protein (p.Glu176Lys).